The following is an entry in ClinVar:

NM_031935.3(HMCN1):c.8225G>A (p.Arg2742Gln)

Gene: HMCN1 (hemicentin 1; plus strand). Cytogenetic location: 1q31.1.
Variant type: single nucleotide variant.
Coding change: c.8225G>A on transcript NM_031935.3 (MANE Select); coding-DNA position 8225, G replaced by A.
Protein change: p.Arg2742Gln; replaces arginine 2742 with glutamine.
Molecular consequence: missense variant.
Genome position (GRCh38, 1-based): chr1:186,074,826, G>A. VCF-style: chr1-186074826-G-A. GRCh37 (hg19) VCF-style: chr1-186043958-G-A.
Other names: short protein forms R2742Q.
Identifiers: ClinVar variation 3688824 (VCV003688824.2).

ClinVar aggregate classification (germline): Uncertain significance (1 of 4 stars; one submission).

gnomAD v4.1: 38 of 1,612,804 alleles (0.0024%); highest among the groups gnomAD compares: African/African-American, 0.004%; no homozygotes.

Submission:

Labcorp Genetics (formerly Invitae), Labcorp
Classification: Uncertain significance. Last evaluated: 2025-09-02. Review status: criteria provided, single submitter. Criteria: Invitae Variant Classification Sherloc (09022015). Collection method: clinical testing. Allele origin: germline.
Comment: This sequence change replaces arginine, which is basic and polar, with glutamine, which is neutral and polar, at codon 2742 of the HMCN1 protein (p.Arg2742Gln). This variant is present in population databases (rs763229502, gnomAD 0.004%). This variant has not been reported in the literature in individuals affected with HMCN1-related conditions. ClinVar contains an entry for this variant (Variation ID: 3688824). An algorithm developed to predict the effect of missense changes on protein structure and function (PolyPhen-2) suggests that this variant is likely to be disruptive. In summary, the available evidence is currently insufficient to determine the role of this variant in disease. Therefore, it has been classified as a Variant of Uncertain Significance.